The following is an entry in ClinVar:

NM_002474.3(MYH11):c.2349T>G (p.Asp783Glu)

Gene: MYH11 (myosin heavy chain 11; minus strand). Cytogenetic location: 16p13.11.
Variant type: single nucleotide variant.
Coding change: c.2349T>G on transcript NM_002474.3 (MANE Select); coding-DNA position 2349, T replaced by G.
Protein change: p.Asp783Glu; replaces aspartic acid 783 with glutamic acid.
Molecular consequence: missense variant.
Genome position (GRCh38, 1-based): chr16:15,747,632, A>C on the plus strand (T>G on the coding strand, the complement: MYH11 is on the minus strand). VCF-style: chr16-15747632-A-C. GRCh37 (hg19) VCF-style: chr16-15841489-A-C.
Other names: c.2370T>G, p.Asp790Glu (NM_001040113.2, NM_001040114.2); c.2349T>G, p.Asp783Glu (NM_022844.3); short protein forms D783E, D790E.
Identifiers: ClinVar variation 1789960 (VCV001789960.2), dbSNP rs1479208928, ClinGen allele CA394867277.

ClinVar aggregate classification (germline): Uncertain significance (1 of 4 stars; one submission).

Conditions:
Familial thoracic aortic aneurysm and aortic dissection (TAAD). Also called: Thoracic aortic aneurysms and dissections. Identifiers: Orphanet 91387, MedGen C4707243, MONDO:0019625.

Allele frequency attached by ClinVar (database versions not stated): gnomAD exomes below 0.00001; TOPMed below 0.00001; gnomAD 0.00001.

Submission:

Ambry Genetics
Classification: Uncertain significance for Familial thoracic aortic aneurysm and aortic dissection. Last evaluated: 2020-08-13. Review status: criteria provided, single submitter. Criteria: Ambry Variant Classification Scheme 2023. Collection method: clinical testing. Allele origin: germline.
Comment: The p.D783E variant (also known as c.2349T>G), located in coding exon 18 of the MYH11 gene, results from a T to G substitution at nucleotide position 2349. The aspartic acid at codon 783 is replaced by glutamic acid, an amino acid with highly similar properties. This amino acid position is highly conserved in available vertebrate species. In addition, the in silico prediction for this alteration is inconclusive. Since supporting evidence is limited at this time, the clinical significance of this alteration remains unclear.